The following is an entry in ClinVar:

ClinVar aggregate classification (germline): Likely benign. Review status: criteria provided, single submitter (1 of 4 stars). 2 submissions from 2 submitters: Likely benign (1). 1 of the submissions does not count toward it. Last evaluated 2026-02-01.

Conditions:
Frontotemporal dementia and/or amyotrophic lateral sclerosis 4. Also called: FTDALS4. Identifiers: Orphanet 275872, MedGen C4225325, MONDO:0014641, OMIM 616439.
TBK1-related disorder. Also called: TBK1-related condition.

Submissions (2):

Labcorp Genetics (formerly Invitae), Labcorp
Classification: Likely benign for Frontotemporal dementia and/or amyotrophic lateral sclerosis 4. Last evaluated: 2026-02-01. Review status: criteria provided, single submitter. Criteria: Invitae Variant Classification Sherloc (09022015). Collection method: clinical testing. Allele origin: germline.

PreventionGenetics, part of Exact Sciences
Classification: Likely benign for TBK1-related condition. Last evaluated: 2019-07-24. Review status: no assertion criteria provided. Collection method: clinical testing. Allele origin: germline. Not counted in ClinVar's aggregate classification.
Comment: This variant is classified as likely benign based on ACMG/AMP sequence variant interpretation guidelines (Richards et al. 2015 PMID: 25741868, with internal and published modifications).

NM_013254.4(TBK1):c.358+9_358+12del

Gene: TBK1 (TANK binding kinase 1; plus strand). Cytogenetic location: 12q14.2.
Variant type: Microsatellite.
Coding change: c.358+9_358+12del on transcript NM_013254.4 (MANE Select); bases 9 to 12 of the intron after coding-DNA position 358, 4 bases deleted (GTTT; older notation c.358+9_358+12delGTTT).
Molecular consequence: intron variant.
Genome position (GRCh38, 1-based): chr12:64,464,472-64,464,475, GTTT deleted; deleting any 4 consecutive bases within chr12:64,464,467-64,464,475 gives the same sequence; the c. name uses the placement nearest the transcript's 3' end. VCF-style (leftmost placement, unchanged base first): chr12-64464466-ATGTT-A. GRCh37 (hg19) VCF-style: chr12-64858246-ATGTT-A.
Other names: c.358+9_358+12del (NM_013254.3).
Identifiers: ClinVar variation 475938 (VCV000475938.13), dbSNP rs769662604, ClinGen allele CA6668771.